The following is an entry in ClinVar:

ClinVar aggregate classification (germline): Uncertain significance (1 of 4 stars; one submission).

gnomAD v4.1: 1 of 1,203,222 alleles (0.000083%); highest among the groups gnomAD compares: African/African-American, 0.0017%; no homozygotes.

Submission:

Labcorp Genetics (formerly Invitae), Labcorp
Classification: Uncertain significance. Last evaluated: 2024-02-18. Review status: criteria provided, single submitter. Criteria: Invitae Variant Classification Sherloc (09022015). Collection method: clinical testing. Allele origin: germline.
Comment: This sequence change replaces methionine, which is neutral and non-polar, with valine, which is neutral and non-polar, at codon 61 of the PIH1D3 protein (p.Met61Val). This variant is not present in population databases (gnomAD no frequency). This variant has not been reported in the literature in individuals affected with PIH1D3-related conditions. An algorithm developed to predict the effect of missense changes on protein structure and function (PolyPhen-2) suggests that this variant is likely to be tolerated. In summary, the available evidence is currently insufficient to determine the role of this variant in disease. Therefore, it has been classified as a Variant of Uncertain Significance.

NM_173494.2(DNAAF6):c.181A>G (p.Met61Val)

Gene: DNAAF6 (dynein axonemal assembly factor 6; plus strand). Cytogenetic location: Xq22.3.
Variant type: single nucleotide variant.
Coding change: c.181A>G on transcript NM_173494.2 (MANE Select); coding-DNA position 181, A replaced by G.
Protein change: p.Met61Val; replaces methionine 61 with valine.
Molecular consequence: missense variant.
Genome position (GRCh38, 1-based): chrX:107,216,698, A>G. VCF-style: chrX-107216698-A-G. GRCh37 (hg19) VCF-style: chrX-106459928-A-G.
Other names: c.181A>G, p.Met61Val (NM_001169154.2); short protein forms M61V.
Identifiers: ClinVar variation 3616693 (VCV003616693.2).
Genomic context (GRCh38, chrX:107,216,698, plus strand): 5'-TTACAGAATATTGAACTTTTTCTCCTCCCTCAGACAAATGGTTTATCTACTATTGGAGCC[A>G]TGGGTCCTGGGAATATTGGACCACCCCAAATAGAAGAGCTCAAAGGTAAGTTATTTAACA-3'
Protein context (NP_775765.1, residues 51-71): QTNGLSTIGA[Met61Val]GPGNIGPPQI